The following is an entry in ClinVar:

NM_000363.5(TNNI3):c.615G>T (p.Lys205Asn)

Gene: TNNI3 (troponin I3, cardiac type; minus strand). Cytogenetic location: 19q13.42.
Variant type: single nucleotide variant.
Coding change: c.615G>T on transcript NM_000363.5 (MANE Select); coding-DNA position 615, G replaced by T.
Protein change: p.Lys205Asn; replaces lysine 205 with asparagine.
Molecular consequence: missense variant.
Genome position (GRCh38, 1-based): chr19:55,151,852, C>A on the plus strand (G>T on the coding strand, the complement: TNNI3 is on the minus strand). VCF-style: chr19-55151852-C-A. GRCh37 (hg19) VCF-style: chr19-55663220-C-A.
Other names: short protein forms K205N.
Identifiers: ClinVar variation 2840070 (VCV002840070.3), dbSNP rs2515495720, ClinGen allele CA407439450.

ClinVar aggregate classification (germline): Uncertain significance (1 of 4 stars; one submission).

Conditions:
Hypertrophic cardiomyopathy. Also called: HYPERTROPHIC MYOCARDIOPATHY. Identifiers: Orphanet 217569, MedGen C0007194, MeSH D002312, MONDO:0005045, HP:0001639.

Submission:

Labcorp Genetics (formerly Invitae), Labcorp
Classification: Uncertain significance for Hypertrophic cardiomyopathy. Last evaluated: 2023-11-13. Review status: criteria provided, single submitter. Criteria: Invitae Variant Classification Sherloc (09022015). Collection method: clinical testing. Allele origin: germline.
Comment: This sequence change replaces lysine, which is basic and polar, with asparagine, which is neutral and polar, at codon 205 of the TNNI3 protein (p.Lys205Asn). This variant is not present in population databases (gnomAD no frequency). This variant has not been reported in the literature in individuals affected with TNNI3-related conditions. An algorithm developed to predict the effect of missense changes on protein structure and function (PolyPhen-2) suggests that this variant is likely to be disruptive. In summary, the available evidence is currently insufficient to determine the role of this variant in disease. Therefore, it has been classified as a Variant of Uncertain Significance.